The following is an entry in ClinVar:

NM_000104.4(CYP1B1):c.883G>A (p.Ala295Thr)

Gene: CYP1B1 (cytochrome P450 family 1 subfamily B member 1; minus strand). Cytogenetic location: 2p22.2.
Variant type: single nucleotide variant.
Coding change: c.883G>A on transcript NM_000104.4 (MANE Select); coding-DNA position 883, G replaced by A.
Protein change: p.Ala295Thr; replaces alanine 295 with threonine.
Molecular consequence: missense variant.
Genome position (GRCh38, 1-based): chr2:38,074,506, C>T on the plus strand (G>A on the coding strand, the complement: CYP1B1 is on the minus strand). VCF-style: chr2-38074506-C-T. GRCh37 (hg19) VCF-style: chr2-38301649-C-T.
Other names: short protein forms A295T.
Identifiers: ClinVar variation 1696083 (VCV001696083.3), dbSNP rs772259541, ClinGen allele CA1619942.

ClinVar aggregate classification (germline): Uncertain significance (1 of 4 stars; one submission).

Allele frequency attached by ClinVar (database versions not stated): gnomAD exomes below 0.00001 and 0.00003; ExAC 0.00001; TOPMed 0.00003.

Submission:

Women's Health and Genetics/Laboratory Corporation of America, LabCorp
Classification: Uncertain significance. Last evaluated: 2024-05-01. Review status: criteria provided, single submitter. Criteria: LabCorp Variant Classification Summary - May 2015. Collection method: clinical testing. Allele origin: germline.
Comment: Variant summary: CYP1B1 c.883G>A (p.Ala295Thr) results in a non-conservative amino acid change in the encoded protein sequence. Four of five in-silico tools predict a damaging effect of the variant on protein function. The variant allele was found at a frequency of 4.2e-06 in 239496 control chromosomes. The available data on variant occurrences in the general population are insufficient to allow any conclusion about variant significance. c.883G>A has been reported in the literature in one individual affected with Primary open-angle Glaucoma. These report(s) do not provide unequivocal conclusions about association of the variant with Primary Congenital Glaucoma. To our knowledge, no experimental evidence demonstrating an impact on protein function has been reported. The following publication have been ascertained in the context of this evaluation (PMID: 25527694). ClinVar contains an entry for this variant (Variation ID: 1696083). Based on the evidence outlined above, the variant was classified as uncertain significance.

Literature cited by the submitters: PubMed 25527694.